The following continues an entry in ClinVar:

NM_001042492.3(NF1):c.7153AACTTT[1] (p.2385NF[1])

Gene: NF1. ClinVar aggregate classification (germline): Pathogenic/Likely pathogenic. Pathogenic (17); Likely pathogenic (3).

Submissions 9 to 21 of 21:

ARUP Laboratories, Molecular Genetics and Genomics, ARUP Laboratories
Classification: Pathogenic. Last evaluated: 2024-01-22. Review status: criteria provided, single submitter. Criteria: ARUP Molecular Germline Variant Investigation Process 2024. Collection method: clinical testing. Allele origin: germline.
Comment: The NF1 c.7159_7164del; p.Asn2387_Phe2388del variant (rs864622639), also known as 7096_7101del, is reported as a common recurrent pathogenic variant in several individuals with NF1 (Abernathy 1994, Ars 2003, Messian 2000, Riva 2022, Xu 2014). This variant is also reported in ClinVar (Variation ID: 220715). It is absent from the Genome Aggregation Database (v2.1.1), indicating it is not a common polymorphism. This variant deletes two amino acid residues leaving the rest of the protein in-frame. Based on available information, this variant is considered to be pathogenic. References: Abernathy CR et al. Two NF1 mutations: frameshift in the GAP-related domain, and loss of two codons toward the 3' end of the gene. Hum Mutat. 1994;3(4):347-52. PMID: 8081387. Ars E et al. Recurrent mutations in the NF1 gene are common among neurofibromatosis type 1 patients. J Med Genet. 2003 Jun;40(6):e82. PMID: 12807981. Messiaen LM et al. Exhaustive mutation analysis of the NF1 gene allows identification of 95% of mutations and reveals a high frequency of unusual splicing defects. Hum Mutat. 2000;15(6):541-55. PMID: 10862084. Riva M et al. Recurrent NF1 gene variants and their genotype/phenotype correlations in patients with Neurofibromatosis type I. Genes Chromosomes Cancer. 2022 Jan;61(1):10-21. PMID: 34427956. Xu W et al. Fifty-four novel mutations in the NF1 gene and integrated analyses of the mutations that modulate splicing. Int J Mol Med. 2014 Jul;34(1):53-60. PMID: 24789688.

Institute of Medical Genetics and Applied Genomics, University Hospital Tübingen
Classification: Pathogenic for Neurofibromatosis, type 1. Last evaluated: 2023-03-09. Review status: criteria provided, single submitter. Criteria: ACMG Guidelines, 2015. Collection method: clinical testing. Allele origin: germline. Inheritance: Autosomal dominant inheritance. Affected: yes.

Athena Diagnostics
Classification: Pathogenic. Last evaluated: 2022-06-17. Review status: criteria provided, single submitter. Criteria: Athena Diagnostics Criteria. Collection method: clinical testing. Allele origin: unknown.
Comment: This variant has been identified in multiple unrelated individuals with clinical features of NF1, including at least one apparent de novo case. This variant has not been reported in large, multi-ethnic general populations. In some published literature, this variant is referred to as c.7159_7164del.

GeneDx
Classification: Pathogenic. Last evaluated: 2022-05-11. Review status: criteria provided, single submitter. Criteria: GeneDx Variant Classification Process June 2021. Collection method: clinical testing. Allele origin: germline. Affected: yes.
Comment: In-frame deletion of 2 amino acids in a non-repeat region; In silico analysis supports a deleterious effect on protein structure/function; Not observed at significant frequency in large population cohorts (gnomAD); Also known as p.2366delNF; This variant is associated with the following publications: (PMID: 32405727, 25293717, 18546366, 12807981, 25541118, 10862084, 8081387, 30014477, 31766501, 31533797, 31776437, 33372952)

Genome-Nilou Lab
Classification: Likely pathogenic for Neurofibromatosis, type 1. Last evaluated: 2022-03-15. Review status: criteria provided, single submitter. Criteria: ACMG Guidelines, 2015. Collection method: clinical testing. Allele origin: germline. Affected: no.

Genome Diagnostics Laboratory, The Hospital for Sick Children
Classification: Pathogenic for Neurofibromatosis, type 1. Last evaluated: 2020-10-26. Review status: criteria provided, single submitter. Criteria: ACMG Guidelines, 2015. Collection method: clinical testing. Allele origin: germline. Affected: yes.

AiLife Diagnostics
Classification: Likely pathogenic. Last evaluated: 2020-05-28. Review status: criteria provided, single submitter. Criteria: ACMG Guidelines, 2015. Collection method: clinical testing. Allele origin: germline. Affected: yes. Observed: 1 variant allele.

Medical Genetics, University of Parma
Classification: Pathogenic for Neurofibromatosis, type 1. Last evaluated: 2019-12-20. Review status: criteria provided, single submitter. Criteria: ACMG Guidelines, 2015. Collection method: clinical testing. Allele origin: germline. Affected: yes.

CeGaT Center for Human Genetics Tuebingen
Classification: Pathogenic. Last evaluated: 2019-12-01. Review status: criteria provided, single submitter. Criteria: CeGaT Center For Human Genetics Tuebingen Variant Classification Criteria Version 2. Collection method: clinical testing. Allele origin: germline. Affected: yes. Observed: 3 variant alleles.

The Laboratory of Genetics and Metabolism, Hunan Children’s Hospital
Classification: Pathogenic for Neurofibromatosis, type 1; Tibial pseudoarthrosis. Last evaluated: 2018-11-10. Review status: criteria provided, single submitter. Criteria: ACMG Guidelines, 2015. Collection method: research. Allele origin: paternal. Affected: yes. Observed: 1 variant allele.

Center for Human Genetics, Inc
Classification: Pathogenic for Neurofibromatosis, type 1. Last evaluated: 2016-11-01. Review status: criteria provided, single submitter. Criteria: ACMG Guidelines, 2015. Collection method: clinical testing. Allele origin: germline. Affected: yes.

Juno Genomics, Hangzhou Juno Genomics, Inc
Classification: Pathogenic for Neurofibromatosis, type 1. Review status: criteria provided, single submitter. Criteria: ACMG Guidelines, 2015. Collection method: clinical testing. Allele origin: germline.
Comment: Absent from controls (or at extremely low frequency if recessive) in Genome Aggregation Database.;Protein length changes due to in-frame deletions/insertions in a non-repeat region or stop-loss variants.;The prevalence of the variant in affected individuals is significantly increased compared to the prevalence in controls.;Assumed de novo, but without confirmation of paternity and maternity.;Patient's phenotype or family history is highly specific for a disease with a single genetic etiology.;Co-segregation with disease in multiple affected family members.

Human Genome Sequencing Center Clinical Lab, Baylor College of Medicine
Classification: Pathogenic for Rhabdomyosarcoma. Last evaluated: 2020-09-01. Review status: no assertion criteria provided. Collection method: provider interpretation. Allele origin: germline. Affected: yes. Not counted in ClinVar's aggregate classification.

Literature cited by the submitters: PubMed 28924536 (cited by 3 submitters); PubMed 8081387 (cited by 5 submitters); PubMed 40169570 (cited by Myriad Genetics, Inc.); PubMed 31776437 (cited by Myriad Genetics, Inc.); PubMed 18546366 (cited by 3 submitters); PubMed 10862084 (cited by Labcorp Genetics (formerly Invitae), Labcorp and Athena Diagnostics); PubMed 24789688 (cited by Labcorp Genetics (formerly Invitae), Labcorp and Athena Diagnostics); PubMed 31533797 (cited by 4 submitters); PubMed 32405727 (cited by 3billion and Athena Diagnostics); PubMed 34427956 (cited by 3billion and Athena Diagnostics); PubMed 33372952 (cited by Athena Diagnostics); PubMed 31766501 (cited by Athena Diagnostics); PubMed 32024963 (cited by Athena Diagnostics); PubMed 12807981 (cited by Athena Diagnostics); PubMed 22962301 (cited by Athena Diagnostics); PubMed 25541118 (cited by Athena Diagnostics); PubMed 25293717 (cited by Athena Diagnostics); PubMed 27838393 (cited by Athena Diagnostics); PubMed 30014477 (cited by Athena Diagnostics).